The following is an entry in ClinVar:

ClinVar aggregate classification (germline): Likely benign (0 of 4 stars; one submission).

Conditions:
PKD1-related disorder. Also called: PKD1-related condition.

Submission:

PreventionGenetics, part of Exact Sciences
Classification: Likely benign for PKD1-related condition. Last evaluated: 2024-07-31. Review status: no assertion criteria provided. Collection method: clinical testing. Allele origin: germline.
Comment: This variant is classified as likely benign based on ACMG/AMP sequence variant interpretation guidelines (Richards et al. 2015 PMID: 25741868, with internal and published modifications).

NM_001009944.3(PKD1):c.6G>C (p.Pro2=)

Gene: PKD1 (polycystin 1, transient receptor potential channel interacting; minus strand). Cytogenetic location: 16p13.3.
Variant type: single nucleotide variant.
Coding change: c.6G>C on transcript NM_001009944.3 (MANE Select); coding-DNA position 6, G replaced by C.
Protein change: p.Pro2=; no amino-acid change (proline 2 retained).
Molecular consequence: synonymous variant.
Genome position (GRCh38, 1-based): chr16:2,135,684, C>G on the plus strand (G>C on the coding strand, the complement: PKD1 is on the minus strand). VCF-style: chr16-2135684-C-G. GRCh37 (hg19) VCF-style: chr16-2185685-C-G.
Other names: c.6G>C, p.Pro2= (NM_000296.4).
Identifiers: ClinVar variation 3352978 (VCV003352978.1).